The following is an entry in ClinVar:

ClinVar aggregate classification (germline): Conflicting classifications of pathogenicity. Review status: criteria provided, conflicting classifications (1 of 4 stars). 2 submissions from 2 submitters: Uncertain significance (1); Likely benign (1). Last evaluated 2025-05-11.

Conditions:
Kleefstra syndrome 1 (KLEFS1). Identifiers: Orphanet 261494, MedGen C0795833, MONDO:0027407, OMIM 610253.

Allele frequency attached by ClinVar (database versions not stated): ExAC 0.00006; TOPMed below 0.00001; gnomAD 0.00001; gnomAD exomes 0.00001 and 0.00002.
gnomAD v4.1: 17 of 1,612,622 alleles (0.0011%); highest among the groups gnomAD compares: Admixed American, 0.0083%; no homozygotes.

Submissions (2):

Labcorp Genetics (formerly Invitae), Labcorp
Classification: Likely benign for Kleefstra syndrome 1. Last evaluated: 2025-05-11. Review status: criteria provided, single submitter. Criteria: Invitae Variant Classification Sherloc (09022015). Collection method: clinical testing. Allele origin: germline.

GeneDx
Classification: Uncertain significance. Last evaluated: 2024-12-11. Review status: criteria provided, single submitter. Criteria: GeneDx Variant Classification Process June 2021. Collection method: clinical testing. Allele origin: germline. Affected: yes.
Comment: In silico analysis supports that this missense variant has a deleterious effect on protein structure/function; Has not been previously published as pathogenic or benign to our knowledge

NM_024757.5(EHMT1):c.3058C>T (p.Arg1020Cys)

Gene: EHMT1 (euchromatic histone lysine methyltransferase 1; plus strand). Cytogenetic location: 9q34.3.
Variant type: single nucleotide variant.
Coding change: c.3058C>T on transcript NM_024757.5 (MANE Select); coding-DNA position 3058, C replaced by T.
Protein change: p.Arg1020Cys; replaces arginine 1020 with cysteine.
Molecular consequence: missense variant.
Genome position (GRCh38, 1-based): chr9:137,813,408, C>T. VCF-style: chr9-137813408-C-T. GRCh37 (hg19) VCF-style: chr9-140707860-C-T.
Other names: c.3058C>T (NM_024757.4); c.3037C>T, p.Arg1013Cys (NM_001354263.2); short protein forms R1020C, R1013C.
Identifiers: ClinVar variation 1449220 (VCV001449220.7), dbSNP rs757820735, ClinGen allele CA5375153.